The following is an entry in ClinVar:

NM_017636.4(TRPM4):c.3505G>A (p.Glu1169Lys)

Gene: TRPM4 (transient receptor potential cation channel subfamily M member 4; plus strand). Cytogenetic location: 19q13.33.
Variant type: single nucleotide variant.
Coding change: c.3505G>A on transcript NM_017636.4 (MANE Select); coding-DNA position 3505, G replaced by A.
Protein change: p.Glu1169Lys; replaces glutamic acid 1169 with lysine.
Molecular consequence: missense variant.
Genome position (GRCh38, 1-based): chr19:49,211,058, G>A. VCF-style: chr19-49211058-G-A. GRCh37 (hg19) VCF-style: chr19-49714315-G-A.
Other names: c.3070G>A, p.Glu1024Lys (NM_001195227.2); c.3160G>A, p.Glu1054Lys (NM_001321281.2); c.1897G>A, p.Glu633Lys (NM_001321282.2); c.2983G>A, p.Glu995Lys (NM_001321283.2); c.2443G>A, p.Glu815Lys (NM_001321285.2); short protein forms E1054K, E1169K, E633K, E1024K, E815K, E995K.
Identifiers: ClinVar variation 3811037 (VCV003811037.1).

ClinVar aggregate classification (germline): Uncertain significance (1 of 4 stars; one submission).

Conditions:
Cardiovascular phenotype. Identifiers: MedGen CN230736.

Submission:

Ambry Genetics
Classification: Uncertain significance for Cardiovascular phenotype. Last evaluated: 2024-12-14. Review status: criteria provided, single submitter. Criteria: Ambry Variant Classification Scheme 2023. Collection method: clinical testing. Allele origin: germline.
Comment: The p.E1169K variant (also known as c.3505G>A), located in coding exon 23 of the TRPM4 gene, results from a G to A substitution at nucleotide position 3505. The glutamic acid at codon 1169 is replaced by lysine, an amino acid with similar properties. This amino acid position is conserved. In addition, this alteration is predicted to be tolerated by in silico analysis. Based on the available evidence, the clinical significance of this variant remains unclear.